The following is an entry in ClinVar:

NM_004176.5(SREBF1):c.545A>G (p.Gln182Arg)

Gene: SREBF1 (sterol regulatory element binding transcription factor 1; minus strand). Cytogenetic location: 17p11.2.
Variant type: single nucleotide variant.
Coding change: c.545A>G on transcript NM_004176.5 (MANE Select); coding-DNA position 545, A replaced by G.
Protein change: p.Gln182Arg; replaces glutamine 182 with arginine.
Molecular consequence: missense variant. On other transcripts: non-coding transcript variant (4).
Genome position (GRCh38, 1-based): chr17:17,819,704, T>C on the plus strand (A>G on the coding strand, the complement: SREBF1 is on the minus strand). VCF-style: chr17-17819704-T-C. GRCh37 (hg19) VCF-style: chr17-17723018-T-C.
Other names: c.635A>G, p.Gln212Arg (NM_001005291.3); c.473A>G, p.Gln158Arg (NM_001321096.3); c.545A>G, p.Gln182Arg (NM_001388385.1, NM_001388386.1, NM_001388387.1 and 6 more transcripts); c.113A>G, p.Gln38Arg (NM_001388394.1); short protein forms Q158R, Q182R, Q212R, Q38R.
Identifiers: ClinVar variation 2506633 (VCV002506633.1), dbSNP rs1598124180, ClinGen allele CA398567380.

ClinVar aggregate classification (germline): Uncertain significance (1 of 4 stars; one submission).

Allele frequency attached by ClinVar (database versions not stated): gnomAD exomes 0.00001; TOPMed 0.00001.
gnomAD v4.1: 3 of 1,607,942 alleles (0.00019%); highest among the groups gnomAD compares: Non-Finnish European, 0.00025%; no homozygotes.

Submission:

GeneDx
Classification: Uncertain significance. Last evaluated: 2022-12-21. Review status: criteria provided, single submitter. Criteria: GeneDx Variant Classification Process June 2021. Collection method: clinical testing. Allele origin: germline. Affected: yes.
Comment: Has not been previously published as pathogenic or benign to our knowledge; Not observed at significant frequency in large population cohorts (gnomAD); In silico analysis supports that this missense variant has a deleterious effect on protein structure/function